The following is an entry in ClinVar:

ClinVar aggregate classification (germline): Uncertain significance (1 of 4 stars; one submission).

Conditions:
Familial adenomatous polyposis 1 (FAP1). Also called: FAMILIAL ADENOMATOUS POLYPOSIS 1, ATTENUATED; POLYPOSIS, ADENOMATOUS INTESTINAL. Identifiers: MedGen C2713442, MONDO:0021056, OMIM 175100. Disease mechanism: loss of function.

Submission:

Labcorp Genetics (formerly Invitae), Labcorp
Classification: Uncertain significance for Familial adenomatous polyposis 1. Last evaluated: 2023-06-20. Review status: criteria provided, single submitter. Criteria: Invitae Variant Classification Sherloc (09022015). Collection method: clinical testing. Allele origin: germline.
Comment: This variant occurs in a non-coding region of the APC gene. It does not change the encoded amino acid sequence of the APC protein. This variant is not present in population databases (gnomAD no frequency). In summary, the available evidence is currently insufficient to determine the role of this variant in disease. Therefore, it has been classified as a Variant of Uncertain Significance. Experimental studies and prediction algorithms are not available or were not evaluated, and the functional significance of this variant is currently unknown. This variant has not been reported in the literature in individuals affected with APC-related conditions.

NM_001127511.3(APC):c.-146C>A

Gene: APC (APC regulator of Wnt signaling pathway; plus strand). Cytogenetic location: 5q22.2.
Variant type: single nucleotide variant.
Coding change: c.-146C>A on transcript NM_001127511.3; 146 bases upstream of the start codon, C replaced by A.
Molecular consequence: 5 prime UTR variant. On other transcripts: non-coding transcript variant (2).
Genome position (GRCh38, 1-based): chr5:112,707,572, C>A. VCF-style: chr5-112707572-C-A. GRCh37 (hg19) VCF-style: chr5-112043269-C-A.
Other names: c.-329C>A (NM_001354895.2, NM_001407447.1, NM_001407452.1 and 3 more transcripts); c.-146C>A (NM_001354897.2, NM_001354902.2, NM_001407446.1); c.-96C>A (NM_001407448.1, NM_001407450.1, NM_001407457.1 and 1 more transcripts); c.-120C>A (NM_001407453.1); c.-1364C>A (NM_001407470.1, NM_001407472.1).
Identifiers: ClinVar variation 2972295 (VCV002972295.3), dbSNP rs1554060206, ClinGen allele CA2674863532.